The following is an entry in ClinVar:

ClinVar aggregate classification (germline): Uncertain significance (1 of 4 stars; one submission).

Conditions:
LMAN2L-related disorder. Also called: LMAN2L-related condition.

gnomAD v4.1: 2 of 1,608,334 alleles (0.00012%); highest among the groups gnomAD compares: African/African-American, 0.0013%; no homozygotes.

Submission:

PreventionGenetics, part of Exact Sciences
Classification: Uncertain significance for LMAN2L-related condition. Last evaluated: 2025-09-09. Review status: criteria provided, single submitter. Criteria: ACMG Guidelines, 2015. Collection method: clinical testing. Allele origin: germline.
Comment: The LMAN2L c.19C>G variant is predicted to result in the amino acid substitution p.Pro7Ala. To our knowledge, this variant has not been reported in the literature. This variant is reported in 0.0062% of alleles in individuals of African descent in gnomAD. At this time, the clinical significance of this variant is uncertain due to the absence of conclusive functional and genetic evidence.

NM_030805.4(LMAN2L):c.19C>G (p.Pro7Ala)

Gene: LMAN2L (lectin, mannose binding 2 like; minus strand). Cytogenetic location: 2q11.2.
Variant type: single nucleotide variant.
Coding change: c.19C>G on transcript NM_030805.4 (MANE Select); coding-DNA position 19, C replaced by G.
Protein change: p.Pro7Ala; replaces proline 7 with alanine.
Molecular consequence: missense variant. On other transcripts: 5 prime UTR variant (8).
Genome position (GRCh38, 1-based): chr2:96,740,022, G>C on the plus strand (C>G on the coding strand, the complement: LMAN2L is on the minus strand). VCF-style: chr2-96740022-G-C. GRCh37 (hg19) VCF-style: chr2-97405759-G-C.
Other names: c.19C>G, p.Pro7Ala (NM_001142292.2); c.-334C>G (NM_001322346.2, NM_001322356.2); c.-277C>G (NM_001322347.2, NM_001322350.2); c.-215C>G (NM_001322351.2); c.-477C>G (NM_001322352.2); c.-348C>G (NM_001322354.2); c.-415C>G (NM_001322355.2); short protein forms P7A.
Identifiers: ClinVar variation 4981437 (VCV004981437.1).